The following is an entry in ClinVar:

ClinVar aggregate classification (germline): Likely benign (1 of 4 stars; one submission).

Submission:

CeGaT Center for Human Genetics Tuebingen
Classification: Likely benign. Last evaluated: 2025-05-01. Review status: criteria provided, single submitter. Criteria: CeGaT Center For Human Genetics Tuebingen Variant Classification Criteria Version 2. Collection method: clinical testing. Allele origin: germline. Affected: yes. Observed: 1 variant allele.
Comment: CDK13: PM2:Supporting, BP4, BP7

NM_003718.5(CDK13):c.1026C>T (p.Ser342=)

Gene: CDK13 (cyclin dependent kinase 13; plus strand). Cytogenetic location: 7p14.1.
Variant type: single nucleotide variant.
Coding change: c.1026C>T on transcript NM_003718.5 (MANE Select); coding-DNA position 1026, C replaced by T.
Protein change: p.Ser342=; no amino-acid change (serine 342 retained).
Molecular consequence: synonymous variant.
Genome position (GRCh38, 1-based): chr7:39,951,667, C>T. VCF-style: chr7-39951667-C-T. GRCh37 (hg19) VCF-style: chr7-39991266-C-T.
Other names: c.1026C>T, p.Ser342= (NM_031267.4).
Identifiers: ClinVar variation 3905530 (VCV003905530.10).
Genomic context (GRCh38, chr7:39,951,667, plus strand): 5'-GGACGACAGCCCGGTGTCCCACAGGGCCTCTCAGAGCCTGAGGAGCCGCAAGTCCCCCAG[C>T]CCGGCAGGAGGTGGCAGCAGCCCCTATTCTCGGCGGCTGCCGCGCTCCCCGAGCCCCTAC-3'
Protein context (NP_003709.3, residues 332-352): SQSLRSRKSP[Ser342=]PAGGGSSPYS